The following is an entry in ClinVar:

NM_007186.6(CEP250):c.5339T>C (p.Ile1780Thr)

Gene: CEP250 (centrosomal protein 250; plus strand). Cytogenetic location: 20q11.22.
Variant type: single nucleotide variant.
Coding change: c.5339T>C on transcript NM_007186.6 (MANE Select); coding-DNA position 5339, T replaced by C.
Protein change: p.Ile1780Thr; replaces isoleucine 1780 with threonine.
Molecular consequence: missense variant.
Genome position (GRCh38, 1-based): chr20:35,503,708, T>C. VCF-style: chr20-35503708-T-C. GRCh37 (hg19) VCF-style: chr20-34091536-T-C.
Other names: c.3443T>C, p.Ile1148Thr (NM_001318219.1); short protein forms I1148T, I1780T.
Identifiers: ClinVar variation 1007683 (VCV001007683.7), dbSNP rs777106939, ClinGen allele CA9833869.

ClinVar aggregate classification (germline): Uncertain significance. Review status: criteria provided, multiple submitters, no conflicts (2 of 4 stars). 2 submissions from 2 submitters: Uncertain significance (2). Last evaluated 2022-01-13.

Allele frequency attached by ClinVar (database versions not stated): gnomAD exomes below 0.00001 and 0.00001; ExAC 0.00001; gnomAD 0.00002; TOPMed 0.00003.
gnomAD v4.1: 7 of 1,613,364 alleles (0.00043%); highest among the groups gnomAD compares: African/African-American, 0.0094%; no homozygotes.

Submissions (2):

Labcorp Genetics (formerly Invitae), Labcorp
Classification: Uncertain significance. Last evaluated: 2022-01-13. Review status: criteria provided, single submitter. Criteria: Invitae Variant Classification Sherloc (09022015). Collection method: clinical testing. Allele origin: germline.
Comment: This sequence change replaces isoleucine, which is neutral and non-polar, with threonine, which is neutral and polar, at codon 1780 of the CEP250 protein (p.Ile1780Thr). This variant is present in population databases (rs777106939, gnomAD 0.007%). This variant has not been reported in the literature in individuals affected with CEP250-related conditions. ClinVar contains an entry for this variant (Variation ID: 1007683). Algorithms developed to predict the effect of missense changes on protein structure and function output the following: SIFT: "Not Available"; PolyPhen-2: "Benign"; Align-GVGD: "Not Available". The threonine amino acid residue is found in multiple mammalian species, which suggests that this missense change does not adversely affect protein function. In summary, the available evidence is currently insufficient to determine the role of this variant in disease. Therefore, it has been classified as a Variant of Uncertain Significance.

Blueprint Genetics
Classification: Uncertain significance. Last evaluated: 2021-09-03. Review status: criteria provided, single submitter. Criteria: ACMG Guidelines, 2015. Collection method: clinical testing. Allele origin: germline.